The following is an entry in ClinVar:

ClinVar aggregate classification (germline): Uncertain significance (1 of 4 stars; one submission).

Conditions:
INPP5E-related disorder. Also called: INPP5E-related condition.

Submission:

PreventionGenetics, part of Exact Sciences
Classification: Uncertain significance for INPP5E-related condition. Last evaluated: 2026-05-05. Review status: criteria provided, single submitter. Criteria: ACMG Guidelines, 2015. Collection method: clinical testing. Allele origin: germline.
Comment: The INPP5E c.1787G>A variant is predicted to result in the amino acid substitution p.Arg596Lys. To our knowledge, this variant has not been reported in the literature or in a large population database (gnomAD), indicating this variant is rare. At this time, the clinical significance of this variant is uncertain due to the absence of conclusive functional and genetic evidence.

NM_019892.6(INPP5E):c.1787G>A (p.Arg596Lys)

Gene: INPP5E (inositol polyphosphate-5-phosphatase E; minus strand). Cytogenetic location: 9q34.3.
Variant type: single nucleotide variant.
Coding change: c.1787G>A on transcript NM_019892.6 (MANE Select); coding-DNA position 1787, G replaced by A.
Protein change: p.Arg596Lys; replaces arginine 596 with lysine.
Molecular consequence: missense variant.
Genome position (GRCh38, 1-based): chr9:136,430,292, C>T on the plus strand (G>A on the coding strand, the complement: INPP5E is on the minus strand). VCF-style: chr9-136430292-C-T. GRCh37 (hg19) VCF-style: chr9-139324744-C-T.
Other names: c.1784G>A, p.Arg595Lys (NM_001318502.2); short protein forms R595K, R596K.
Identifiers: ClinVar variation 4983606 (VCV004983606.1).